The following is an entry in ClinVar:

ClinVar aggregate classification (germline): Uncertain significance. Review status: criteria provided, multiple submitters, no conflicts (2 of 4 stars). 2 submissions from 2 submitters: Uncertain significance (2). Last evaluated 2025-02-03.

Conditions:
Pallister-Hall syndrome (PHS). Also called: GLI3-Related Pallister-Hall Syndrome; HYPOTHALAMIC HAMARTOBLASTOMA, HYPOPITUITARISM, IMPERFORATE ANUS, AND POSTAXIAL POLYDACTYLY. Identifiers: Orphanet 672, MedGen C0265220, MONDO:0007804, OMIM 146510.
Greig cephalopolysyndactyly syndrome (GCPS). Also called: POLYSYNDACTYLY WITH PECULIAR SKULL SHAPE; GLI3-Related Greig Cephalopolysyndactyly Syndrome; Greig syndrome. Identifiers: Orphanet 380, MedGen C0265306, MONDO:0008287, OMIM 175700.
GLI3-related disorder. Also called: GLI3-related disorders; GLI3-related condition. Identifiers: MedGen CN239292.

Allele frequency attached by ClinVar (database versions not stated): TOPMed below 0.00001; ExAC 0.00001; gnomAD 0.00001; gnomAD exomes 0.00001.
gnomAD v4.1: 8 of 1,613,322 alleles (0.0005%); highest among the groups gnomAD compares: Non-Finnish European, 0.00068%; no homozygotes.

Submissions (2):

PreventionGenetics, part of Exact Sciences
Classification: Uncertain significance for GLI3-related condition. Last evaluated: 2025-02-03. Review status: criteria provided, single submitter. Criteria: ACMG Guidelines, 2015. Collection method: clinical testing. Allele origin: germline.
Comment: The GLI3 c.3712G>A variant is predicted to result in the amino acid substitution p.Gly1238Ser. To our knowledge, this variant has not been reported in the literature. This variant is reported in 0.00088% of alleles in individuals of European (Non-Finnish) descent in gnomAD. At this time, the clinical significance of this variant is uncertain due to the absence of conclusive functional and genetic evidence.

Labcorp Genetics (formerly Invitae), Labcorp
Classification: Uncertain significance for Pallister-Hall syndrome; Greig cephalopolysyndactyly syndrome. Last evaluated: 2022-12-03. Review status: criteria provided, single submitter. Criteria: Invitae Variant Classification Sherloc (09022015). Collection method: clinical testing. Allele origin: germline.
Comment: In summary, the available evidence is currently insufficient to determine the role of this variant in disease. Therefore, it has been classified as a Variant of Uncertain Significance. Advanced modeling of protein sequence and biophysical properties (such as structural, functional, and spatial information, amino acid conservation, physicochemical variation, residue mobility, and thermodynamic stability) performed at Invitae indicates that this missense variant is not expected to disrupt GLI3 protein function. This variant has not been reported in the literature in individuals affected with GLI3-related conditions. This variant is present in population databases (rs754984727, gnomAD 0.0009%). This sequence change replaces glycine, which is neutral and non-polar, with serine, which is neutral and polar, at codon 1238 of the GLI3 protein (p.Gly1238Ser).

NM_000168.6(GLI3):c.3712G>A (p.Gly1238Ser)

Gene: GLI3 (GLI family zinc finger 3; minus strand). Cytogenetic location: 7p14.1.
Variant type: single nucleotide variant.
Coding change: c.3712G>A on transcript NM_000168.6 (MANE Select); coding-DNA position 3712, G replaced by A.
Protein change: p.Gly1238Ser; replaces glycine 1238 with serine.
Molecular consequence: missense variant.
Genome position (GRCh38, 1-based): chr7:41,965,361, C>T on the plus strand (G>A on the coding strand, the complement: GLI3 is on the minus strand). VCF-style: chr7-41965361-C-T. GRCh37 (hg19) VCF-style: chr7-42004959-C-T.
Other names: c.3712G>A (NM_000168.5); short protein forms G1238S.
Identifiers: ClinVar variation 1916097 (VCV001916097.6), dbSNP rs754984727, ClinGen allele CA4230289.